The following is an entry in ClinVar:

NM_001130987.2(DYSF):c.1281C>T (p.Asp427=)

Gene: DYSF (dysferlin; plus strand). Cytogenetic location: 2p13.2.
Variant type: single nucleotide variant.
Coding change: c.1281C>T on transcript NM_001130987.2 (MANE Select); coding-DNA position 1281, C replaced by T.
Protein change: p.Asp427=; no amino-acid change (aspartic acid 427 retained).
Molecular consequence: synonymous variant.
Genome position (GRCh38, 1-based): chr2:71,528,302, C>T. VCF-style: chr2-71528302-C-T. GRCh37 (hg19) VCF-style: chr2-71755432-C-T.
Other names: c.1188C>T, p.Asp396= (NM_001130455.2, NM_001130983.2, NM_001130984.2 and 1 more transcripts); c.1185C>T, p.Asp395= (NM_001130976.2, NM_001130977.2, NM_001130978.2 and 1 more transcripts); c.1278C>T, p.Asp426= (NM_001130979.2, NM_001130980.2, NM_001130981.2); c.1281C>T, p.Asp427= (NM_001130982.2, NM_001130985.2).
Identifiers: ClinVar variation 499084 (VCV000499084.18), dbSNP rs147244033, ClinGen allele CA1705694.

ClinVar aggregate classification (germline): Conflicting classifications of pathogenicity. Review status: criteria provided, conflicting classifications (1 of 4 stars). 4 submissions from 4 submitters: Uncertain significance (1); Likely benign (2). 1 of the submissions does not count toward it. Last evaluated 2026-01-14.

Conditions:
Miyoshi muscular dystrophy 1 (MMD1). Identifiers: Orphanet 45448, MedGen C4551973, MONDO:0024545, OMIM 254130.
DYSF-related disorder. Also called: DYSF-related condition; DYSF-related disorders.
Neuromuscular disease caused by qualitative or quantitative defects of dysferlin. Also called: Qualitative or quantitative defects of dysferlin; Dysferlinopathy. Identifiers: Orphanet 207073, MedGen C2931687, MONDO:0016145.

Allele frequency attached by ClinVar (database versions not stated): gnomAD exomes 0.00003; ExAC 0.00004; gnomAD 0.00007; TOPMed 0.00011; 1000 Genomes Project 30x 0.00016; 1000 Genomes Project 0.00020; ESP Exome Variant Server 0.00023.
gnomAD v4.1: 43 of 1,613,596 alleles (0.0027%); highest among the groups gnomAD compares: Middle Eastern, 0.017%; no homozygotes.

Submissions (4):

Labcorp Genetics (formerly Invitae), Labcorp
Classification: Likely benign for Neuromuscular disease caused by qualitative or quantitative defects of dysferlin. Last evaluated: 2026-01-14. Review status: criteria provided, single submitter. Criteria: Invitae Variant Classification Sherloc (09022015). Collection method: clinical testing. Allele origin: germline.

Genome-Nilou Lab
Classification: Likely benign for Miyoshi muscular dystrophy 1. Last evaluated: 2021-05-18. Review status: criteria provided, single submitter. Criteria: ACMG Guidelines, 2015. Collection method: clinical testing. Allele origin: germline. Affected: no.

Eurofins Ntd Llc (ga)
Classification: Uncertain significance. Last evaluated: 2016-12-28. Review status: criteria provided, single submitter. Criteria: EGL Classification Definitions 2015. Collection method: clinical testing. Allele origin: germline. Observed: 1 variant allele, 1 heterozygote.

PreventionGenetics, part of Exact Sciences
Classification: Likely benign for DYSF-related condition. Last evaluated: 2020-04-01. Review status: no assertion criteria provided. Collection method: clinical testing. Allele origin: germline. Not counted in ClinVar's aggregate classification.
Comment: This variant is classified as likely benign based on ACMG/AMP sequence variant interpretation guidelines (Richards et al. 2015 PMID: 25741868, with internal and published modifications).